The following is an entry in ClinVar:

ClinVar aggregate classification (germline): Likely benign (1 of 4 stars; one submission).

Submission:

GeneDx
Classification: Likely benign. Last evaluated: 2019-11-03. Review status: criteria provided, single submitter. Criteria: GeneDx Variant Classification Process June 2021. Collection method: clinical testing. Allele origin: germline. Affected: yes.
Comment: See Variant Classification Assertion Criteria.

NM_001378452.1(ITPR1):c.1251+66dup

Gene: ITPR1 (inositol 1,4,5-trisphosphate receptor type 1; plus strand). Cytogenetic location: 3p26.1.
Variant type: Duplication.
Coding change: c.1251+66dup on transcript NM_001378452.1 (MANE Select); 66 bases into the intron after coding-DNA position 1251, one base duplicated (G; older notation c.1251+66dupG).
Molecular consequence: intron variant.
Genome position (GRCh38, 1-based): chr3:4,661,153, G duplicated; the last of 2 consecutive G bases (chr3:4,661,152-4,661,153); duplicating either gives the same sequence. VCF-style (leftmost placement, unchanged base first): chr3-4661151-A-AG. GRCh37 (hg19) VCF-style: chr3-4702835-A-AG.
Other names: c.1251+66dup (NM_001099952.4); c.1206+66dup (NM_001168272.2, NM_002222.7).
Identifiers: ClinVar variation 3340731 (VCV003340731.1).